The following is an entry in ClinVar:

ClinVar aggregate classification (germline): Likely benign. Review status: reviewed by expert panel (3 of 4 stars). 6 submissions from 6 submitters: Likely benign (1). 5 of the submissions do not count toward it. Last evaluated 2017-06-29.

Conditions:
Hereditary cancer-predisposing syndrome. Also called: Tumor predisposition; Hereditary neoplastic syndrome; Neoplastic Syndromes, Hereditary; Hereditary Cancer Syndrome. Identifiers: Orphanet 140162, MedGen C0027672, MeSH D009386, MONDO:0015356.
Hereditary breast ovarian cancer syndrome. Also called: Hereditary breast and ovarian cancer; BRCA1- and BRCA2-Associated Hereditary Breast and Ovarian Cancer; Hereditary breast and/or ovarian cancer syndrome; Hereditary breast and ovarian cancer syndrome; Hereditary breast and ovarian cancer syndrome (HBOC); Breast and ovarian cancer. Identifiers: Orphanet 145, MedGen C0677776, MeSH D061325, MONDO:0003582. Disease mechanism: loss of function.
Breast-ovarian cancer, familial, susceptibility to, 2 (BROVCA2). Also called: BRCA2 Hereditary Breast and Ovarian Cancer. Identifiers: Orphanet 145, MedGen C2675520, MONDO:0012933, OMIM 612555. Disease mechanism: loss of function.

Allele frequency attached by ClinVar (database versions not stated): gnomAD exomes below 0.00001; TOPMed below 0.00001.
gnomAD v4.1: 2 of 1,584,264 alleles (0.00013%); highest among the groups gnomAD compares: Non-Finnish European, 0.00017%; no homozygotes.

Submissions (6):

Evidence-based Network for the Interpretation of Germline Mutant Alleles (ENIGMA)
Classification: Likely benign for Breast-ovarian cancer, familial, susceptibility to, 2. Last evaluated: 2017-06-29. Review status: reviewed by expert panel. Criteria: ENIGMA BRCA1/2 Classification Criteria (2017-06-29). Collection method: curation. Allele origin: germline.
Comment: Synonymous substitution variant, with low bioinformatic likelihood to result in a splicing aberration (Splicing prior probability 0.02).

Quest Diagnostics Nichols Institute San Juan Capistrano
Classification: Uncertain significance. Last evaluated: 2025-09-15. Review status: criteria provided, single submitter. Criteria: Quest Diagnostics criteria. Collection method: clinical testing. Allele origin: unknown. Not counted in ClinVar's aggregate classification.
Comment: The BRCA2 c.2616A>G (p.Lys872=) synonymous variant has not been reported in individuals with BRCA2-related conditions in the published literature. This variant has not been reported in large, multi-ethnic general populations (Genome Aggregation Database). Analysis of this variant using software algorithms for the prediction of the effect of nucleotide changes on splicing yielded predictions that this variant does not affect BRCA2 mRNA splicing. Based on the available information, we are unable to determine the clinical significance of this variant.

Labcorp Genetics (formerly Invitae), Labcorp
Classification: Likely benign for Hereditary breast ovarian cancer syndrome. Last evaluated: 2024-01-04. Review status: criteria provided, single submitter. Criteria: Invitae Variant Classification Sherloc (09022015). Collection method: clinical testing. Allele origin: germline. Not counted in ClinVar's aggregate classification.

Color Diagnostics, LLC DBA Color Health
Classification: Likely benign for Hereditary cancer-predisposing syndrome. Last evaluated: 2017-11-16. Review status: criteria provided, single submitter. Criteria: ACMG Guidelines, 2015. Collection method: clinical testing. Allele origin: germline. Not counted in ClinVar's aggregate classification.

GeneDx
Classification: Benign. Last evaluated: 2015-08-27. Review status: criteria provided, single submitter. Criteria: GeneDx Variant Classification Process June 2021. Collection method: clinical testing. Allele origin: germline. Affected: yes. Not counted in ClinVar's aggregate classification.

Ambry Genetics
Classification: Likely benign for Hereditary cancer-predisposing syndrome. Last evaluated: 2015-06-10. Review status: criteria provided, single submitter. Criteria: Ambry Variant Classification Scheme 2023. Collection method: clinical testing. Allele origin: germline. Not counted in ClinVar's aggregate classification.

NM_000059.4(BRCA2):c.2616A>G (p.Lys872=)

Gene: BRCA2 (BRCA2 DNA repair associated; plus strand). Cytogenetic location: 13q13.1.
Variant type: single nucleotide variant.
Coding change: c.2616A>G on transcript NM_000059.4 (MANE Select); coding-DNA position 2616, A replaced by G.
Protein change: p.Lys872=; no amino-acid change (lysine 872 retained).
Molecular consequence: synonymous variant.
Genome position (GRCh38, 1-based): chr13:32,336,971, A>G. VCF-style: chr13-32336971-A-G. GRCh37 (hg19) VCF-style: chr13-32911108-A-G.
Identifiers: ClinVar variation 220166 (VCV000220166.23), dbSNP rs202047206, ClinGen allele CA348216.